The following is an entry in ClinVar:

NM_000064.4(C3):c.1656G>A (p.Trp552Ter)

Gene: C3 (complement C3; minus strand). Cytogenetic location: 19p13.3.
Variant type: single nucleotide variant.
Coding change: c.1656G>A on transcript NM_000064.4 (MANE Select); coding-DNA position 1656, G replaced by A.
Protein change: p.Trp552Ter; replaces tryptophan 552 with a stop codon.
Molecular consequence: nonsense.
Genome position (GRCh38, 1-based): chr19:6,710,669, C>T on the plus strand (G>A on the coding strand, the complement: C3 is on the minus strand). VCF-style: chr19-6710669-C-T. GRCh37 (hg19) VCF-style: chr19-6710680-C-T.
Other names: short protein forms W552*.
Identifiers: ClinVar variation 4280243 (VCV004280243.1).

ClinVar aggregate classification (germline): Pathogenic (1 of 4 stars; one submission).

Conditions:
Complement component 3 deficiency. Identifiers: Orphanet 280133, MedGen C3151071, MONDO:0013417, OMIM 613779.

gnomAD v4.1: 1 of 1,613,228 alleles (0.000062%); highest among the groups gnomAD compares: Non-Finnish European, 0.000085%; no homozygotes.

Submission:

Genomenon, Inc
Classification: Pathogenic for Complement component 3 deficiency. Last evaluated: 2025-09-30. Review status: criteria provided, single submitter. Criteria: Genomenon Sequence Variant Interpretation Standards. Collection method: curation. Allele origin: germline. Affected: yes.
Comment: C3 p.Trp552Ter (c.1656G>A) is a nonsense variant that introduces a premature stop codon at amino acid position 552, creating a truncated protein that is predicted to undergo nonsense-mediated mRNA decay. This variant has been observed in at least one proband affected with C3 deficiency (PMID:12462331). It is absent or not present at a significant frequency in gnomAD. In conclusion, we classify C3 p.Trp552Ter (c.1656G>A) as a pathogenic variant.

Literature cited by the submitters: PubMed 12462331.